The following is an entry in ClinVar:

NM_024700.4(SNIP1):c.785A>T (p.Tyr262Phe)

Genes: SNIP1 (Smad nuclear interacting protein 1; minus strand), LOC126805704 (BRD4-independent group 4 enhancer GRCh37_chr1:38005292-38006491; plus strand). Cytogenetic location: 1p34.3.
Variant type: single nucleotide variant.
Coding change: c.785A>T on transcript NM_024700.4 (MANE Select); coding-DNA position 785, A replaced by T.
Protein change: p.Tyr262Phe; replaces tyrosine 262 with phenylalanine.
Molecular consequence: missense variant.
Genome position (GRCh38, 1-based): chr1:37,540,298, T>A on the plus strand (A>T on the coding strand, the complement: SNIP1 is on the minus strand). VCF-style: chr1-37540298-T-A. GRCh37 (hg19) VCF-style: chr1-38005899-T-A.
Other names: short protein forms Y262F.
Identifiers: ClinVar variation 1979989 (VCV001979989.4), dbSNP rs1363089040, ClinGen allele CA339449296.

ClinVar aggregate classification (germline): Uncertain significance (1 of 4 stars; one submission).

Allele frequency attached by ClinVar (database versions not stated): gnomAD exomes 0.00003; gnomAD 0.00006.
gnomAD v4.1: 27 of 1,614,048 alleles (0.0017%); no homozygotes.

Submission:

Labcorp Genetics (formerly Invitae), Labcorp
Classification: Uncertain significance. Last evaluated: 2022-08-19. Review status: criteria provided, single submitter. Criteria: Invitae Variant Classification Sherloc (09022015). Collection method: clinical testing. Allele origin: germline.
Comment: In summary, the available evidence is currently insufficient to determine the role of this variant in disease. Therefore, it has been classified as a Variant of Uncertain Significance. Algorithms developed to predict the effect of missense changes on protein structure and function are either unavailable or do not agree on the potential impact of this missense change (SIFT: "Deleterious"; PolyPhen-2: "Possibly Damaging"; Align-GVGD: "Class C15"). This variant has not been reported in the literature in individuals affected with SNIP1-related conditions. This variant is present in population databases (no rsID available, gnomAD 0.04%). This sequence change replaces tyrosine, which is neutral and polar, with phenylalanine, which is neutral and non-polar, at codon 262 of the SNIP1 protein (p.Tyr262Phe).